The following is an entry in ClinVar:

GRCh37/hg19 1q44(chr1:244811325-245725982)x1

Genes: EFCAB2 (EF-hand calcium binding domain 2; plus strand), HNRNPU (heterogeneous nuclear ribonucleoprotein U; minus strand), KIF26B (kinesin family member 26B; plus strand), COX20 (cytochrome c oxidase assembly factor COX20; plus strand), DESI2 (desumoylating isopeptidase 2; plus strand). Cytogenetic location: 1q44.
Variant type: copy number loss.
Change: copy number 1 (one copy instead of two) of chr1:244,811,325-245,725,982 (914.7 kb, GRCh37 coordinates, 1-based), cytogenetic band 1q44.
Identifiers: ClinVar variation 1180520 (VCV001180520.4).

ClinVar aggregate classification (germline): Pathogenic (1 of 4 stars; one submission).

Submission:

Illumina Laboratory Services, Illumina
Classification: Pathogenic. Last evaluated: 2020-05-21. Review status: criteria provided, single submitter. Criteria: ICSL CNVClassificationCriteria Jul2020Prior. Collection method: clinical testing. Allele origin: unknown.
Comment: This CNV is a 915 kb deletion of 1q44 on chromosome 1, (seq[GRCh37]del(1)(q44); chr1:g.244811325_245725982del) identified in a de novo state and constituting a loss of the following genes: EFCAB2, LOC101928068, SNORA100, HNRNPU, HNRNPU-AS1, COX20, DESI2, KIF26B. This CNV has not been reported in controls and overlaps the region associated with 1q44 microdeletion syndrome. Several probands with 1q44 microdeletion syndrome have been described with similar-sized deletions, and variable phenotypes (Ballif et al. 2012; Thierry et al. 2012). Based on the collective evidence, this CNV is classified as pathogenic.

Literature cited by the submitters: PubMed 21800092; PubMed 22678713.